The following is an entry in ClinVar:

NM_002637.4(PHKA1):c.1072G>C (p.Val358Leu)

Gene: PHKA1 (phosphorylase kinase regulatory subunit alpha 1; minus strand). Cytogenetic location: Xq13.1.
Variant type: single nucleotide variant.
Coding change: c.1072G>C on transcript NM_002637.4 (MANE Select); coding-DNA position 1072, G replaced by C.
Protein change: p.Val358Leu; replaces valine 358 with leucine.
Molecular consequence: missense variant.
Genome position (GRCh38, 1-based): chrX:72,653,500, C>G on the plus strand (G>C on the coding strand, the complement: PHKA1 is on the minus strand). VCF-style: chrX-72653500-C-G. GRCh37 (hg19) VCF-style: chrX-71873350-C-G.
Other names: c.1072G>C, p.Val358Leu (NM_001122670.2, NM_001172436.2); short protein forms V358L.
Identifiers: ClinVar variation 2851217 (VCV002851217.3), dbSNP rs2053454512, ClinGen allele CA413593401.

ClinVar aggregate classification (germline): Uncertain significance (1 of 4 stars; one submission).

Conditions:
Glycogen storage disease IXd (GSD9D). Also called: GSD IXd; Muscle Phosphorylase Kinase Deficiency. Identifiers: Orphanet 715, MedGen C1845151, MONDO:0010362, OMIM 300559.

Submission:

Labcorp Genetics (formerly Invitae), Labcorp
Classification: Uncertain significance for Glycogen storage disease IXd. Last evaluated: 2023-03-31. Review status: criteria provided, single submitter. Criteria: Invitae Variant Classification Sherloc (09022015). Collection method: clinical testing. Allele origin: germline.
Comment: In summary, the available evidence is currently insufficient to determine the role of this variant in disease. Therefore, it has been classified as a Variant of Uncertain Significance. Advanced modeling of protein sequence and biophysical properties (such as structural, functional, and spatial information, amino acid conservation, physicochemical variation, residue mobility, and thermodynamic stability) performed at Invitae indicates that this missense variant is not expected to disrupt PHKA1 protein function. This variant has not been reported in the literature in individuals affected with PHKA1-related conditions. This variant is not present in population databases (gnomAD no frequency). This sequence change replaces valine, which is neutral and non-polar, with leucine, which is neutral and non-polar, at codon 358 of the PHKA1 protein (p.Val358Leu).